The following is an entry in ClinVar:

ClinVar aggregate classification (germline): Uncertain significance (1 of 4 stars; one submission).

Conditions:
Progressive microcephaly-seizures-cortical blindness-developmental delay syndrome. Also called: Seizures, cortical blindness, and microcephaly syndrome. Identifiers: Orphanet 477814, MedGen C5567650, MONDO:0014714, OMIM 616632.
Autosomal dominant nonsyndromic hearing loss 1. Also called: KONIGSMARK SYNDROME; DEAFNESS, AUTOSOMAL DOMINANT 1, WITH OR WITHOUT THROMBOCYTOPENIA. Identifiers: Orphanet 90635, MedGen C1852282, MONDO:0007424, OMIM 124900.

Allele frequency attached by ClinVar (database versions not stated): TOPMed below 0.00001; gnomAD 0.00001.
gnomAD v4.1: 1 of 1,613,590 alleles (0.000062%); highest among the groups gnomAD compares: Non-Finnish European, 0.000085%; no homozygotes.

Submission:

Labcorp Genetics (formerly Invitae), Labcorp
Classification: Uncertain significance for Progressive microcephaly-seizures-cortical blindness-developmental delay syndrome; Autosomal dominant nonsyndromic hearing loss 1. Last evaluated: 2025-09-17. Review status: criteria provided, single submitter. Criteria: Invitae Variant Classification Sherloc (09022015). Collection method: clinical testing. Allele origin: germline.
Comment: This sequence change replaces glutamine, which is neutral and polar, with arginine, which is basic and polar, at codon 345 of the DIAPH1 protein (p.Gln345Arg). This variant is not present in population databases (gnomAD no frequency). This variant has not been reported in the literature in individuals affected with DIAPH1-related conditions. ClinVar contains an entry for this variant (Variation ID: 1721793). Experimental studies and prediction algorithms are not available or were not evaluated, and the functional significance of this variant is currently unknown. In summary, the available evidence is currently insufficient to determine the role of this variant in disease. Therefore, it has been classified as a Variant of Uncertain Significance.

NM_005219.5(DIAPH1):c.1034A>G (p.Gln345Arg)

Gene: DIAPH1 (diaphanous related formin 1; minus strand). Cytogenetic location: 5q31.3.
Variant type: single nucleotide variant.
Coding change: c.1034A>G on transcript NM_005219.5 (MANE Select); coding-DNA position 1034, A replaced by G.
Protein change: p.Gln345Arg; replaces glutamine 345 with arginine.
Molecular consequence: missense variant.
Genome position (GRCh38, 1-based): chr5:141,578,525, T>C on the plus strand (A>G on the coding strand, the complement: DIAPH1 is on the minus strand). VCF-style: chr5-141578525-T-C. GRCh37 (hg19) VCF-style: chr5-140958092-T-C.
Other names: c.1007A>G, p.Gln336Arg (NM_001079812.3); c.1034A>G, p.Gln345Arg (NM_001314007.2); short protein forms Q336R, Q345R.
Identifiers: ClinVar variation 1721793 (VCV001721793.6), dbSNP rs1359843007, ClinGen allele CA361532122.